The following is an entry in ClinVar:

NM_002519.3(NPAT):c.3855T>A (p.Asp1285Glu)

Gene: NPAT (nuclear protein, coactivator of histone transcription; minus strand). Cytogenetic location: 11q22.3.
Variant type: single nucleotide variant.
Coding change: c.3855T>A on transcript NM_002519.3 (MANE Select); coding-DNA position 3855, T replaced by A.
Protein change: p.Asp1285Glu; replaces aspartic acid 1285 with glutamic acid.
Molecular consequence: missense variant.
Genome position (GRCh38, 1-based): chr11:108,161,231, A>T on the plus strand (T>A on the coding strand, the complement: NPAT is on the minus strand). VCF-style: chr11-108161231-A-T. GRCh37 (hg19) VCF-style: chr11-108031958-A-T.
Other names: c.3876T>A, p.Asp1292Glu (NM_001321307.1); short protein forms D1285E, D1292E.
Identifiers: ClinVar variation 2447452 (VCV002447452.2), dbSNP rs2077844643, ClinGen allele CA382509900.

ClinVar aggregate classification (germline): Uncertain significance (1 of 4 stars; one submission).

Submission:

Ambry Genetics
Classification: Uncertain significance. Last evaluated: 2023-01-19. Review status: criteria provided, single submitter. Criteria: Ambry Variant Classification Scheme 2023. Collection method: clinical testing. Allele origin: germline.
Comment: The p.D1285E variant (also known as c.3855T>A), located in coding exon 17 of the NPAT gene, results from a T to A substitution at nucleotide position 3855. The aspartic acid at codon 1285 is replaced by glutamic acid, an amino acid with highly similar properties. This amino acid position is conserved. In addition, this alteration is predicted to be tolerated by in silico analysis. Since supporting evidence is limited at this time, the clinical significance of this alteration remains unclear.